The following is an entry in ClinVar:

NM_001039591.3(USP9X):c.4316C>T (p.Ala1439Val)

Gene: USP9X (ubiquitin specific peptidase 9 X-linked; plus strand). Cytogenetic location: Xp11.4.
Variant type: single nucleotide variant.
Coding change: c.4316C>T on transcript NM_001039591.3 (MANE Select); coding-DNA position 4316, C replaced by T.
Protein change: p.Ala1439Val; replaces alanine 1439 with valine.
Molecular consequence: missense variant.
Genome position (GRCh38, 1-based): chrX:41,197,446, C>T. VCF-style: chrX-41197446-C-T. GRCh37 (hg19) VCF-style: chrX-41056699-C-T.
Other names: c.4316C>T, p.Ala1439Val (NM_001039590.3); c.4331C>T, p.Ala1444Val (NM_001410748.1, NM_001410749.1); short protein forms A1439V, A1444V.
Identifiers: ClinVar variation 3029460 (VCV003029460.3), dbSNP rs2519312030, ClinGen allele CA412773580.

ClinVar aggregate classification (germline): Uncertain significance (1 of 4 stars; one submission).

Conditions:
USP9X-related disorder. Also called: USP9X-related condition.

Submission:

PreventionGenetics, part of Exact Sciences
Classification: Uncertain significance for USP9X-related condition. Last evaluated: 2026-03-17. Review status: criteria provided, single submitter. Criteria: ACMG Guidelines, 2015. Collection method: clinical testing. Allele origin: germline.
Comment: The USP9X c.4316C>T variant is predicted to result in the amino acid substitution p.Ala1439Val. To our knowledge, this variant has not been reported in the literature or in a large population database (gnomAD), indicating this variant is rare. Statistical evidence in gnomAD suggests the USP9X gene is intolerant of missense variation. At this time, the clinical significance of this variant is uncertain due to the absence of conclusive functional and genetic evidence.